The following is an entry in ClinVar:

NM_004370.6(COL12A1):c.3383G>A (p.Arg1128Lys)

Gene: COL12A1 (collagen type XII alpha 1 chain; minus strand). Cytogenetic location: 6q13.
Variant type: single nucleotide variant.
Coding change: c.3383G>A on transcript NM_004370.6 (MANE Select); coding-DNA position 3383, G replaced by A.
Protein change: p.Arg1128Lys; replaces arginine 1128 with lysine.
Molecular consequence: missense variant. On other transcripts: intron variant (1).
Genome position (GRCh38, 1-based): chr6:75,155,722, C>T on the plus strand (G>A on the coding strand, the complement: COL12A1 is on the minus strand). VCF-style: chr6-75155722-C-T. GRCh37 (hg19) VCF-style: chr6-75865438-C-T.
Other names: c.74-3240G>A (NM_080645.3); short protein forms R1128K.
Identifiers: ClinVar variation 452138 (VCV000452138.17), dbSNP rs373637483, ClinGen allele CA3893741.

ClinVar aggregate classification (germline): Conflicting classifications of pathogenicity. Review status: criteria provided, conflicting classifications (1 of 4 stars). 4 submissions from 4 submitters: Uncertain significance (2); Likely benign (2). Last evaluated 2025-12-04.

Conditions:
Inborn genetic diseases. Identifiers: MedGen C0950123, MeSH D030342.
Bethlem myopathy 2 (BTHLM2). Identifiers: Orphanet 536516, Orphanet 610, MedGen C4225313, MONDO:0034022, OMIM 616471.
Ullrich congenital muscular dystrophy 2 (UCMD2). Identifiers: Orphanet 75840, MedGen C4225314, MONDO:0014654, OMIM 616470.

Allele frequency attached by ClinVar (database versions not stated): TOPMed 0.00002; gnomAD 0.00003.
gnomAD v4.1: 31 of 1,612,936 alleles (0.0019%); highest among the groups gnomAD compares: East Asian, 0.062%; no homozygotes.

Submissions (4):

Ambry Genetics
Classification: Uncertain significance for Inborn genetic diseases. Last evaluated: 2025-12-04. Review status: criteria provided, single submitter. Criteria: Ambry Variant Classification Scheme 2023. Collection method: clinical testing. Allele origin: germline.

Revvity Omics, Revvity
Classification: Likely benign. Last evaluated: 2025-06-09. Review status: criteria provided, single submitter. Criteria: ACMG Guidelines, 2015. Collection method: clinical testing. Allele origin: germline.

Labcorp Genetics (formerly Invitae), Labcorp
Classification: Likely benign for Bethlem myopathy 2; Ullrich congenital muscular dystrophy 2. Last evaluated: 2024-12-29. Review status: criteria provided, single submitter. Criteria: Invitae Variant Classification Sherloc (09022015). Collection method: clinical testing. Allele origin: germline.

GeneDx
Classification: Uncertain significance. Last evaluated: 2018-04-18. Review status: criteria provided, single submitter. Criteria: GeneDx Variant Classification (06012015). Collection method: clinical testing. Allele origin: germline. Affected: yes.
Comment: The R1128K variant in the COL12A1 gene has not been reported previously as a pathogenic variant, nor as a benign variant, to our knowledge. This variant is observed in 5/8616 alleles (0.058%) from individuals of East Asian background in the ExAC dataset with no homozygous control individuals reported (Lek et al., 2016) The R1128K variant is a conservative amino acid substitution, which is not likely to impact secondary protein structure as these residues share similar properties. However, this substitution occurs at a position that is conserved across mammalian species, and in silico analysis is inconsistent in its predictions as to whether or not the variant is damaging to the protein structure/function. We interpret R1128K as a variant of uncertain significance.